The following is an entry in ClinVar:

NM_000492.4(CFTR):c.3868C>T (p.Pro1290Ser)

Genes: CFTR (CF transmembrane conductance regulator; plus strand), CFTR-AS2 (CFTR antisense RNA 2; minus strand). Cytogenetic location: 7q31.2.
Variant type: single nucleotide variant.
Coding change: c.3868C>T on transcript NM_000492.4 (MANE Select); coding-DNA position 3868, C replaced by T.
Protein change: p.Pro1290Ser; replaces proline 1290 with serine.
Molecular consequence: missense variant.
Genome position (GRCh38, 1-based): chr7:117,642,588, C>T. VCF-style: chr7-117642588-C-T. GRCh37 (hg19) VCF-style: chr7-117282642-C-T.
Other names: short protein forms P1290S.
Identifiers: ClinVar variation 53825 (VCV000053825.5), dbSNP rs397508619, ClinGen allele CA327312.
Genomic context (GRCh38, chr7:117,642,588, plus strand): 5'-GATGGTGTGTCTTGGGATTCAATAACTTTGCAACAGTGGAGGAAAGCCTTTGGAGTGATA[C>T]CACAGGTGAGCAAAAGGACTTAGCCAGAAAAAAGGCAACTAAATTATATTTTTTACTGCT-3'
Protein context (NP_000483.3, residues 1280-1300): QQWRKAFGVI[Pro1290Ser]QKVFIFSGTF

ClinVar aggregate classification (germline): Conflicting classifications of pathogenicity. Review status: criteria provided, conflicting classifications (1 of 4 stars). 4 submissions from 4 submitters: Likely pathogenic (1); Uncertain significance (2). 1 of the submissions does not count toward it. Last evaluated 2025-03-24.

Conditions:
Bronchiectasis with or without elevated sweat chloride 1 (BESC1). Also called: Cystic Fibrosis-Like Syndrome. Identifiers: Orphanet 60033, MedGen C2749757, MONDO:0008887, OMIM 211400.
Hereditary pancreatitis (PCTT). Also called: PRSS1-Related Hereditary Pancreatitis; Hereditary chronic pancreatitis. Identifiers: Orphanet 676, MedGen C0238339, MONDO:0008185, OMIM 167800.
Cystic fibrosis (CF). Also called: MUCOVISCIDOSIS. Identifiers: Orphanet 586, MedGen C0010674, MONDO:0009061, OMIM 219700. Disease mechanism: loss of function.
Congenital bilateral aplasia of vas deferens from CFTR mutation (CBAVD). Identifiers: Orphanet 48, MedGen C0403814, MONDO:0010178, OMIM 277180. Disease mechanism: loss of function.

gnomAD v4.1: 2 of 1,613,250 alleles (0.00012%); highest among the groups gnomAD compares: Non-Finnish European, 0.000085%; no homozygotes.

Submissions (4):

Women's Health and Genetics/Laboratory Corporation of America, LabCorp
Classification: Uncertain significance. Last evaluated: 2025-03-24. Review status: criteria provided, single submitter. Criteria: LabCorp Variant Classification Summary - May 2015. Collection method: clinical testing. Allele origin: germline.
Comment: Variant summary: CFTR c.3868C>T (p.Pro1290Ser) results in a non-conservative amino acid change in the encoded protein sequence. Five of five in-silico tools predict a damaging effect of the variant on protein function. The variant was absent in 250584 control chromosomes. c.3868C>T has been reported in the literature in at least one individual affected with Congenital Bilateral Absence Of The Vas Deferens (Grangeia_2005). These report(s) do not provide unequivocal conclusions about association of the variant with Congenital Bilateral Absence Of The Vas Deferens. At least one publication reports experimental evidence that this variant results in 80% maturation compared to WT, channel activity ~40% of WT, chloride conductance 30% of WT, and mislocalizaton (Grangeia_2008). This variant is also known as c.4000C>T. The following publications have been ascertained in the context of this evaluation (PMID: 18769034, 15705389). ClinVar contains an entry for this variant (Variation ID: 53825). Based on the evidence outlined above, the variant was classified as VUS-possibly pathogenic.

Fulgent Genetics
Classification: Likely pathogenic for Hereditary pancreatitis; Bronchiectasis with or without elevated sweat chloride 1; Cystic fibrosis; Congenital bilateral aplasia of vas deferens from CFTR mutation. Last evaluated: 2024-03-04. Review status: criteria provided, single submitter. Criteria: ACMG Guidelines, 2015. Collection method: clinical testing. Allele origin: germline.

Labcorp Genetics (formerly Invitae), Labcorp
Classification: Uncertain significance for Cystic fibrosis. Last evaluated: 2022-09-16. Review status: criteria provided, single submitter. Criteria: Invitae Variant Classification Sherloc (09022015). Collection method: clinical testing. Allele origin: germline.
Comment: This sequence change replaces proline, which is neutral and non-polar, with serine, which is neutral and polar, at codon 1290 of the CFTR protein (p.Pro1290Ser). This variant is not present in population databases (gnomAD no frequency). This missense change has been observed in individual(s) with congenital bilateral absence of the vas deferens (PMID: 15705389). In at least one individual the data is consistent with being in trans (on the opposite chromosome) from a pathogenic variant. This variant is also known as 4000C>T. ClinVar contains an entry for this variant (Variation ID: 53825). Advanced modeling of protein sequence and biophysical properties (such as structural, functional, and spatial information, amino acid conservation, physicochemical variation, residue mobility, and thermodynamic stability) performed at Invitae indicates that this missense variant is expected to disrupt CFTR protein function. Experimental studies have shown that this missense change affects CFTR function (PMID: 18769034). In summary, the available evidence is currently insufficient to determine the role of this variant in disease. Therefore, it has been classified as a Variant of Uncertain Significance.

ClinVar Staff, National Center for Biotechnology Information (NCBI)
No classification provided. Condition: CFTR-related disorders. Review status: no classification provided. Collection method: literature only. Allele origin: germline. Affected: yes. Not counted in ClinVar's aggregate classification.

Literature cited by the submitters: PubMed 18769034 (cited by Women's Health and Genetics/Laboratory Corporation of America, LabCorp and Labcorp Genetics (formerly Invitae), Labcorp); PubMed 15705389 (cited by Women's Health and Genetics/Laboratory Corporation of America, LabCorp and Labcorp Genetics (formerly Invitae), Labcorp); PubMed 20059485 (cited by ClinVar Staff, National Center for Biotechnology Information (NCBI)).